The following is an entry in ClinVar:

NM_004525.3(LRP2):c.2075C>T (p.Thr692Ile)

Gene: LRP2 (LDL receptor related protein 2; minus strand). Cytogenetic location: 2q31.1.
Variant type: single nucleotide variant.
Coding change: c.2075C>T on transcript NM_004525.3 (MANE Select); coding-DNA position 2075, C replaced by T.
Protein change: p.Thr692Ile; replaces threonine 692 with isoleucine.
Molecular consequence: missense variant.
Genome position (GRCh38, 1-based): chr2:169,272,968, G>A on the plus strand (C>T on the coding strand, the complement: LRP2 is on the minus strand). VCF-style: chr2-169272968-G-A. GRCh37 (hg19) VCF-style: chr2-170129478-G-A.
Other names: c.2075C>T (NM_004525.2); short protein forms T692I.
Identifiers: ClinVar variation 1405821 (VCV001405821.4), dbSNP rs987649457, ClinGen allele CA59923842.
Genomic context (GRCh38, chr2:169,272,968, plus strand): 5'-TCCAAAACAGACTTCTTACCAATGCAGTGGCGCTCATCTGTATCCAGTTGGAAGCCGAAT[G>A]TGCACTTGCAACGGAAACCCAAACCATCATTATCTGTTCTGTGGCTGAGGACACAGACCT-3'
Protein context (NP_004516.2, residues 682-702): NDGLGFRCKC[Thr692Ile]FGFQLDTDER

ClinVar aggregate classification (germline): Uncertain significance (1 of 4 stars; one submission).

Conditions:
Donnai-Barrow syndrome. Also called: DBS/FOAR SYNDROME; FACIOOCULOACOUSTICORENAL SYNDROME. Identifiers: Orphanet 2143, MedGen C1857277, MONDO:0009104, OMIM 222448.

Allele frequency attached by ClinVar (database versions not stated): gnomAD exomes below 0.00001.
gnomAD v4.1: 3 of 1,613,742 alleles (0.00019%); highest among the groups gnomAD compares: African/African-American, 0.0013%; no homozygotes.

Submission:

Labcorp Genetics (formerly Invitae), Labcorp
Classification: Uncertain significance. Last evaluated: 2021-07-28. Review status: criteria provided, single submitter. Criteria: Invitae Variant Classification Sherloc (09022015). Collection method: clinical testing. Allele origin: germline.
Comment: This sequence change replaces threonine with isoleucine at codon 692 of the LRP2 protein (p.Thr692Ile). The threonine residue is weakly conserved and there is a moderate physicochemical difference between threonine and isoleucine. This variant is not present in population databases (ExAC no frequency). This variant has not been reported in the literature in individuals affected with LRP2-related conditions. Advanced modeling of protein sequence and biophysical properties (such as structural, functional, and spatial information, amino acid conservation, physicochemical variation, residue mobility, and thermodynamic stability) performed at Invitae indicates that this missense variant is not expected to disrupt LRP2 protein function. In summary, the available evidence is currently insufficient to determine the role of this variant in disease. Therefore, it has been classified as a Variant of Uncertain Significance.